The following is an entry in ClinVar:

ClinVar aggregate classification (germline): Likely pathogenic. Review status: criteria provided, multiple submitters, no conflicts (2 of 4 stars). 3 submissions from 3 submitters: Likely pathogenic (2). 1 of the submissions does not count toward it. Last evaluated 2026-03-26.

Conditions:
Arrhythmogenic cardiomyopathy with wooly hair and keratoderma. Also called: Arrhythmogenic cardiomyopathy with woolly hair and keratoderma; Dilated cardiomyopathy with woolly hair and keratoderma; Carvajal syndrome; PALMOPLANTAR KERATODERMA WITH LEFT VENTRICULAR CARDIOMYOPATHY AND WOOLLY HAIR. Identifiers: Orphanet 65282, MedGen C1854063, MONDO:0011581, OMIM 605676.
Arrhythmogenic right ventricular dysplasia 8 (ARVD8). Also called: ARRHYTHMOGENIC RIGHT VENTRICULAR DYSPLASIA, FAMILIAL, 8; ARRHYTHMOGENIC RIGHT VENTRICULAR CARDIOMYOPATHY 8; Arrhythmogenic Right Ventricular Dysplasia/Cardiomyopathy 8. Identifiers: MedGen C1843896, MONDO:0011831, OMIM 607450.

Submissions (3):

GeneDx
Classification: Likely pathogenic. Last evaluated: 2026-03-26. Review status: criteria provided, single submitter. Criteria: GeneDx Variant Classification Process June 2021. Collection method: clinical testing. Allele origin: germline.
Comment: Intronic variant directly or indirectly altering the +5 splice site in a gene for which loss of function is a known mechanism of disease, and splice predictors support a deleterious effect; Not observed at significant frequency in large population cohorts (gnomAD); Has not been previously published as pathogenic or benign to our knowledge

Labcorp Genetics (formerly Invitae), Labcorp
Classification: Likely pathogenic for Arrhythmogenic cardiomyopathy with wooly hair and keratoderma; Arrhythmogenic right ventricular dysplasia 8. Last evaluated: 2025-10-27. Review status: criteria provided, single submitter. Criteria: Invitae Variant Classification Sherloc (09022015). Collection method: clinical testing. Allele origin: germline.
Comment: This sequence change falls in intron 1 of the DSP gene. It does not directly change the encoded amino acid sequence of the DSP protein. It affects a nucleotide within the consensus splice site. This variant is not present in population databases (gnomAD no frequency). This variant has been observed in individuals with clinical features of arrhythmogenic cardiomyopathy (internal data). ClinVar contains an entry for this variant (Variation ID: 163233). Variants that disrupt the consensus splice site are a relatively common cause of aberrant splicing (PMID: 17576681, 9536098). Algorithms developed to predict the effect of sequence changes on RNA splicing suggest that this variant may disrupt the consensus splice site. In summary, the currently available evidence indicates that the variant is pathogenic, but additional data are needed to prove that conclusively. Therefore, this variant has been classified as Likely Pathogenic.

Laboratory for Molecular Medicine, Mass General Brigham Personalized Medicine
Classification: Uncertain significance. Last evaluated: 2014-07-31. Review status: no assertion criteria provided. Collection method: clinical testing. Allele origin: germline. Observed: 2 variant alleles. Not counted in ClinVar's aggregate classification.
Comment: proposed classification - variant undergoing re-assessment, contact laboratory

Literature cited by the submitters: PubMed 17576681 (cited by Labcorp Genetics (formerly Invitae), Labcorp); PubMed 9536098 (cited by Labcorp Genetics (formerly Invitae), Labcorp).

NM_004415.4(DSP):c.170+5G>A

Genes: DSP (desmoplakin; plus strand), DSP-AS1 (DSP antisense RNA 1; minus strand). Cytogenetic location: 6p24.3.
Variant type: single nucleotide variant.
Coding change: c.170+5G>A on transcript NM_004415.4 (MANE Select); 5 bases into the intron after coding-DNA position 170, G replaced by A.
Molecular consequence: intron variant.
Genome position (GRCh38, 1-based): chr6:7,542,090, G>A. VCF-style: chr6-7542090-G-A. GRCh37 (hg19) VCF-style: chr6-7542323-G-A.
Other names: c.170+5G>A (NM_001319034.2, NM_001008844.3).
Identifiers: ClinVar variation 163233 (VCV000163233.17), dbSNP rs727502996, ClinGen allele CA005116.